The following is an entry in ClinVar:

NM_002528.7(NTHL1):c.85G>C (p.Gly29Arg)

Gene: NTHL1 (nth like DNA glycosylase 1; minus strand). Cytogenetic location: 16p13.3.
Variant type: single nucleotide variant.
Coding change: c.85G>C on transcript NM_002528.7 (MANE Select); coding-DNA position 85, G replaced by C.
Protein change: p.Gly29Arg; replaces glycine 29 with arginine.
Molecular consequence: missense variant. On other transcripts: 5 prime UTR variant (1).
Genome position (GRCh38, 1-based): chr16:2,047,739, C>G on the plus strand (G>C on the coding strand, the complement: NTHL1 is on the minus strand). VCF-style: chr16-2047739-C-G. GRCh37 (hg19) VCF-style: chr16-2097740-C-G.
Other names: c.85G>C, p.Gly29Arg (NM_001318193.2); c.-94G>C (NM_001318194.2); short protein forms G29R.
Identifiers: ClinVar variation 1002264 (VCV001002264.7), dbSNP rs1161055704, ClinGen allele CA394298330.

ClinVar aggregate classification (germline): Uncertain significance (1 of 4 stars; one submission).

gnomAD v4.1: 4 of 1,584,964 alleles (0.00025%); highest among the groups gnomAD compares: Non-Finnish European, 0.00034%; no homozygotes.

Submission:

Labcorp Genetics (formerly Invitae), Labcorp
Classification: Uncertain significance. Last evaluated: 2020-04-26. Review status: criteria provided, single submitter. Criteria: Invitae Variant Classification Sherloc (09022015). Collection method: clinical testing. Allele origin: germline.
Comment: In summary, the available evidence is currently insufficient to determine the role of this variant in disease. Therefore, it has been classified as a Variant of Uncertain Significance. Algorithms developed to predict the effect of missense changes on protein structure and function are either unavailable or do not agree on the potential impact of this missense change (SIFT: "Not Available"; PolyPhen-2: "Benign"; Align-GVGD: "Not Available"). This variant has not been reported in the literature in individuals with NTHL1-related conditions. This variant is not present in population databases (ExAC no frequency). This sequence change replaces glycine with arginine at codon 37 of the NTHL1 protein (p.Gly37Arg). The glycine residue is weakly conserved and there is a moderate physicochemical difference between glycine and arginine.